The following is an entry in ClinVar:

NM_005529.7(HSPG2):c.228C>T (p.Ser76=)

Gene: HSPG2 (heparan sulfate proteoglycan 2; minus strand). Cytogenetic location: 1p36.12.
Variant type: single nucleotide variant.
Coding change: c.228C>T on transcript NM_005529.7 (MANE Select); coding-DNA position 228, C replaced by T.
Protein change: p.Ser76=; no amino-acid change (serine 76 retained).
Molecular consequence: synonymous variant.
Genome position (GRCh38, 1-based): chr1:21,895,938, G>A on the plus strand (C>T on the coding strand, the complement: HSPG2 is on the minus strand). VCF-style: chr1-21895938-G-A. GRCh37 (hg19) VCF-style: chr1-22222431-G-A.
Other names: c.228C>T, p.Ser76= (NM_001291860.2).
Identifiers: ClinVar variation 742394 (VCV000742394.32), dbSNP rs748426323, ClinGen allele CA673974.

ClinVar aggregate classification (germline): Likely benign. Review status: criteria provided, multiple submitters, no conflicts (2 of 4 stars). 2 submissions from 2 submitters: Likely benign (2). Last evaluated 2025-09-03.

Allele frequency attached by ClinVar (database versions not stated): gnomAD 0.00001; gnomAD exomes 0.00004; ExAC 0.00007.
gnomAD v4.1: 33 of 1,613,870 alleles (0.002%); highest among the groups gnomAD compares: Admixed American, 0.01%; no homozygotes.

Submissions (2):

Labcorp Genetics (formerly Invitae), Labcorp
Classification: Likely benign. Last evaluated: 2025-09-03. Review status: criteria provided, single submitter. Criteria: Invitae Variant Classification Sherloc (09022015). Collection method: clinical testing. Allele origin: germline.

CeGaT Center for Human Genetics Tuebingen
Classification: Likely benign. Last evaluated: 2023-10-01. Review status: criteria provided, single submitter. Criteria: CeGaT Center For Human Genetics Tuebingen Variant Classification Criteria Version 2. Collection method: clinical testing. Allele origin: germline. Affected: yes. Observed: 1 variant allele.
Comment: HSPG2: BP4, BP7